The following is an entry in ClinVar:

NM_000193.4(SHH):c.50T>C (p.Leu17Pro)

Gene: SHH (sonic hedgehog signaling molecule; minus strand). Cytogenetic location: 7q36.3.
Variant type: single nucleotide variant.
Coding change: c.50T>C on transcript NM_000193.4 (MANE Select); coding-DNA position 50, T replaced by C.
Protein change: p.Leu17Pro; replaces leucine 17 with proline.
Molecular consequence: missense variant.
Genome position (GRCh38, 1-based): chr7:155,812,073, A>G on the plus strand (T>C on the coding strand, the complement: SHH is on the minus strand). VCF-style: chr7-155812073-A-G. GRCh37 (hg19) VCF-style: chr7-155604767-A-G.
Other names: short protein forms L17P.
Identifiers: ClinVar variation 3775120 (VCV003775120.1).

ClinVar aggregate classification (germline): Likely pathogenic (1 of 4 stars; one submission).

Conditions:
Holoprosencephaly 3 (HPE3). Identifiers: Orphanet 2162, MedGen C1840529, MONDO:0007733, OMIM 142945.

Submission:

Laboratory of Molecular Genetics, CHU Rennes
Classification: Likely pathogenic for Holoprosencephaly 3. Last evaluated: 2025-02-27. Review status: criteria provided, single submitter. Criteria: ACMG Guidelines, 2015. Collection method: clinical testing. Allele origin: maternal. Inheritance: Oligogenic inheritance. Affected: yes.
Comment: The NM_000193.4:c.50T>C, is a missense variant in SHH in the Hedgehog domain (PM1), absent from controls (PM2), predicted pathogenic by prediction tools (PP3).